The following is an entry in ClinVar:

ClinVar aggregate classification (germline): Likely pathogenic (1 of 4 stars; one submission).

Conditions:
Polycystic kidney disease, adult type (PKD1). Also called: POLYCYSTIC KIDNEY DISEASE, ADULT, TYPE I; Polycystic Kidney Disease 1, Autosomal Dominant; Polycystic kidney disease 1; Polycystic kidney disease 1, severe; Polycystic Kidney, Autosomal Dominant; POLYCYSTIC KIDNEY DISEASE 1 WITH OR WITHOUT POLYCYSTIC LIVER DISEASE. Identifiers: MedGen C3149841, MONDO:0008263, OMIM 173900.

Submission:

Women's Health and Genetics/Laboratory Corporation of America, LabCorp
Classification: Likely pathogenic for Polycystic kidney disease, adult type. Last evaluated: 2023-06-09. Review status: criteria provided, single submitter. Criteria: LabCorp Variant Classification Summary - May 2015. Collection method: clinical testing. Allele origin: germline.
Comment: Variant summary: PKD1 c.[8279T>C;8282G>C;8291T>C] (p.[Met2760Thr;Arg2761Pro;Met2764Thr]) variant is a complex allele and involves the alteration of multiple nucleotides. 4/4 computational tools predict no significant impact on normal splicing. However, these predictions have yet to be confirmed by functional studies. The complex variant was absent in 278812 control chromosomes (gnomAD), in addition all the individual component SNVs were also absent in isolation (except Met2760Thr, which was found in 1 carrier). This complex variant, c.[8279T>C;8282G>C;8291T>C], has been reported in the literature in at least two families, in multiple individuals affected with Polycystic Kidney Disease 1 (Watnick_1997, Watnick_1998, Neumann_2012, Mallawaarachchi_2021). In one family the variant segregated with the disease (Watnick_1997), and although at the time of this report only a part of the PKD1 gene could be sequenced, later studies confirmed the presence of the complex, and the absence of other (potentially) causative variants in affected individuals, who were likely derived from the same families (Neumann_2012, Mallawaarachchi_2021). In addition, this complex variant is also reported in the Polycystic Kidney Disease Mutation Database (PKDB; PMID: 17370309), in two additional affected families. These data indicate that the variant is likely to be associated with disease. To our knowledge, no experimental evidence demonstrating an impact on protein function has been reported. No clinical diagnostic laboratories have submitted clinical-significance assessments for this variant to ClinVar after 2014. Based on the evidence outlined above, the variant was classified as likely pathogenic.

Literature cited by the submitters: PubMed 33437033; PubMed 23985799; PubMed 23139683; PubMed 9285784; PubMed 9668165.

NM_001009944.3(PKD1):c.[8279T>C;8282G>C8291T>C]

Variant type: Haplotype.
Identifiers: ClinVar variation 2573449 (VCV002573449.1).